The following is an entry in ClinVar:

ClinVar aggregate classification (germline): Uncertain significance (1 of 4 stars; one submission).

Conditions:
Inborn genetic diseases. Identifiers: MedGen C0950123, MeSH D030342.

gnomAD v4.1: 1 of 1,602,756 alleles (0.000062%); highest among the groups gnomAD compares: Non-Finnish European, 0.000085%; no homozygotes.

Submission:

Ambry Genetics
Classification: Uncertain significance for Inborn genetic diseases. Last evaluated: 2025-05-27. Review status: criteria provided, single submitter. Criteria: Ambry Variant Classification Scheme 2023. Collection method: clinical testing. Allele origin: germline.
Comment: The p.P1255H variant (also known as c.3764C>A), located in coding exon 14 of the FANCM gene, results from a C to A substitution at nucleotide position 3764. The proline at codon 1255 is replaced by histidine, an amino acid with similar properties. This amino acid position is conserved. In addition, this alteration is predicted to be tolerated by in silico analysis. Based on the available evidence, the clinical significance of this variant remains unclear.

NM_020937.4(FANCM):c.3764C>A (p.Pro1255His)

Gene: FANCM (FA complementation group M; plus strand). Cytogenetic location: 14q21.2.
Variant type: single nucleotide variant.
Coding change: c.3764C>A on transcript NM_020937.4 (MANE Select); coding-DNA position 3764, C replaced by A.
Protein change: p.Pro1255His; replaces proline 1255 with histidine.
Molecular consequence: missense variant.
Genome position (GRCh38, 1-based): chr14:45,176,518, C>A. VCF-style: chr14-45176518-C-A. GRCh37 (hg19) VCF-style: chr14-45645721-C-A.
Other names: c.3686C>A, p.Pro1229His (NM_001308133.2); short protein forms P1255H, P1229H.
Identifiers: ClinVar variation 4022817 (VCV004022817.1).